The following is an entry in ClinVar:

ClinVar aggregate classification (germline): Uncertain significance (1 of 4 stars; one submission).

Conditions:
Jeune thoracic dystrophy. Also called: Jeune syndrome; Infantile thoracic dystrophy; Thoracic pelvic phalangeal dystrophy; Jeune's syndrome; Chondroectodermal dysplasia-like syndrome; Short-rib thoracic dysplasia. Identifiers: Orphanet 474, MedGen C0265275, MONDO:0018770.

Allele frequency attached by ClinVar (database versions not stated): gnomAD exomes below 0.00001; ExAC 0.00001; TOPMed 0.00001; ESP Exome Variant Server 0.00008.
gnomAD v4.1: 6 of 1,613,348 alleles (0.00037%); highest among the groups gnomAD compares: Non-Finnish European, 0.00051%; no homozygotes.

Submission:

Labcorp Genetics (formerly Invitae), Labcorp
Classification: Uncertain significance for Jeune thoracic dystrophy. Last evaluated: 2020-11-04. Review status: criteria provided, single submitter. Criteria: Invitae Variant Classification Sherloc (09022015). Collection method: clinical testing. Allele origin: germline.
Comment: This sequence change replaces isoleucine with valine at codon 573 of the IFT80 protein (p.Ile573Val). The isoleucine residue is moderately conserved and there is a small physicochemical difference between isoleucine and valine. This variant is present in population databases (rs371520687, ExAC 0.002%). This variant has not been reported in the literature in individuals with IFT80-related conditions. Algorithms developed to predict the effect of missense changes on protein structure and function output the following: SIFT: "Tolerated"; PolyPhen-2: "Benign"; Align-GVGD: "Class C0". The valine amino acid residue is found in multiple mammalian species, suggesting that this missense change does not adversely affect protein function. These predictions have not been confirmed by published functional studies and their clinical significance is uncertain. In summary, the available evidence is currently insufficient to determine the role of this variant in disease. Therefore, it has been classified as a Variant of Uncertain Significance.

NM_020800.3(IFT80):c.1717A>G (p.Ile573Val)

Genes: TRIM59-IFT80 (TRIM59-IFT80 readthrough (NMD candidate); minus strand), IFT80 (intraflagellar transport 80; minus strand). Cytogenetic location: 3q25.33.
Variant type: single nucleotide variant.
Coding change: c.1717A>G on transcript NM_020800.3 (MANE Select); coding-DNA position 1717, A replaced by G.
Protein change: p.Ile573Val; replaces isoleucine 573 with valine.
Molecular consequence: missense variant. On other transcripts: non-coding transcript variant (3).
Genome position (GRCh38, 1-based): chr3:160,279,312, T>C on the plus strand (A>G on the coding strand, the complement: IFT80 is on the minus strand). VCF-style: chr3-160279312-T-C. GRCh37 (hg19) VCF-style: chr3-159997100-T-C.
Other names: c.1306A>G, p.Ile436Val (NM_001190241.2, NM_001190242.2); short protein forms I436V, I573V.
Identifiers: ClinVar variation 1464372 (VCV001464372.8), dbSNP rs371520687, ClinGen allele CA2685065.